The following is an entry in ClinVar:

ClinVar aggregate classification (germline): Uncertain significance (1 of 4 stars; one submission).

Allele frequency attached by ClinVar (database versions not stated): gnomAD exomes below 0.00001.
gnomAD v4.1: 3 of 1,612,174 alleles (0.00019%); highest among the groups gnomAD compares: Non-Finnish European, 0.00025%; no homozygotes.

Submission:

Ambry Genetics
Classification: Uncertain significance. Last evaluated: 2022-07-05. Review status: criteria provided, single submitter. Criteria: Ambry Variant Classification Scheme 2023. Collection method: clinical testing. Allele origin: germline.
Comment: The p.E239K variant (also known as c.715G>A), located in coding exon 7 of the PRKDC gene, results from a G to A substitution at nucleotide position 715. The glutamic acid at codon 239 is replaced by lysine, an amino acid with similar properties. This amino acid position is conserved. In addition, this alteration is predicted to be tolerated by in silico analysis. Since supporting evidence is limited at this time, the clinical significance of this alteration remains unclear.

NM_006904.7(PRKDC):c.715G>A (p.Glu239Lys)

Gene: PRKDC (protein kinase, DNA-activated, catalytic subunit; minus strand). Cytogenetic location: 8q11.21.
Variant type: single nucleotide variant.
Coding change: c.715G>A on transcript NM_006904.7 (MANE Select); coding-DNA position 715, G replaced by A.
Protein change: p.Glu239Lys; replaces glutamic acid 239 with lysine.
Molecular consequence: missense variant.
Genome position (GRCh38, 1-based): chr8:47,953,626, C>T on the plus strand (G>A on the coding strand, the complement: PRKDC is on the minus strand). VCF-style: chr8-47953626-C-T. GRCh37 (hg19) VCF-style: chr8-48866186-C-T.
Other names: c.715G>A, p.Glu239Lys (NM_001081640.2); short protein forms E239K.
Identifiers: ClinVar variation 1757430 (VCV001757430.2), dbSNP rs2551881727, ClinGen allele CA371138125.